The following is an entry in ClinVar:

NM_005732.4(RAD50):c.760C>T (p.Arg254Cys)

Gene: RAD50 (RAD50 double strand break repair protein; plus strand). Cytogenetic location: 5q31.1.
Variant type: single nucleotide variant.
Coding change: c.760C>T on transcript NM_005732.4 (MANE Select); coding-DNA position 760, C replaced by T.
Protein change: p.Arg254Cys; replaces arginine 254 with cysteine.
Molecular consequence: missense variant.
Genome position (GRCh38, 1-based): chr5:132,587,565, C>T. VCF-style: chr5-132587565-C-T. GRCh37 (hg19) VCF-style: chr5-131923257-C-T.
Other names: short protein forms R254C.
Identifiers: ClinVar variation 187507 (VCV000187507.18), dbSNP rs555367432, ClinGen allele CA197825.

ClinVar aggregate classification (germline): Conflicting classifications of pathogenicity. Review status: criteria provided, conflicting classifications (1 of 4 stars). 5 submissions from 5 submitters: Uncertain significance (4); Benign (1). Last evaluated 2025-07-28.

Conditions:
Hereditary cancer-predisposing syndrome. Also called: Neoplastic Syndromes, Hereditary; Tumor predisposition; Hereditary Cancer Syndrome; Hereditary neoplastic syndrome. Identifiers: Orphanet 140162, MedGen C0027672, MeSH D009386, MONDO:0015356.
Ovarian cancer. Also called: OVARIAN CANCER, SOMATIC. Identifiers: Orphanet 213500, MedGen C1140680, MONDO:0008170, OMIM 167000.
Nijmegen breakage syndrome-like disorder (NBSLD). Also called: MICROCEPHALY AND SPONTANEOUS CHROMOSOME INSTABILITY WITHOUT IMMUNODEFICIENCY; NBS-LIKE DISORDER; RAD50 DEFICIENCY. Identifiers: Orphanet 240760, MedGen C2751318, MONDO:0013118, OMIM 613078.

Allele frequency attached by ClinVar (database versions not stated): gnomAD exomes 0.00001 and 0.00002; ExAC 0.00004; TOPMed 0.00006; gnomAD 0.00009; 1000 Genomes Project 0.00020; 1000 Genomes Project 30x 0.00031.
gnomAD v4.1: 31 of 1,612,140 alleles (0.0019%); highest among the groups gnomAD compares: African/African-American, 0.017%; no homozygotes.

Submissions (5):

Quest Diagnostics Nichols Institute San Juan Capistrano
Classification: Uncertain significance. Last evaluated: 2025-07-28. Review status: criteria provided, single submitter. Criteria: Quest Diagnostics criteria. Collection method: clinical testing. Allele origin: unknown.
Comment: The RAD50 c.760C>T (p.Arg254Cys) variant has been identified in individuals with breast cancer in a case-control study (PMID: 33471991 (2021), see LOVD). The frequency of this variant in the general population (Genome Aggregation Database) is uninformative in the assessment of its pathogenicity. Analysis of this variant using bioinformatics tools for the prediction of the effect of amino acid changes on protein structure and function yielded predictions that this variant is benign. Based on the available information, we are unable to determine the clinical significance of this variant.

Labcorp Genetics (formerly Invitae), Labcorp
Classification: Uncertain significance for Hereditary cancer-predisposing syndrome. Last evaluated: 2024-04-10. Review status: criteria provided, single submitter. Criteria: Invitae Variant Classification Sherloc (09022015). Collection method: clinical testing. Allele origin: germline.
Comment: This sequence change replaces arginine, which is basic and polar, with cysteine, which is neutral and slightly polar, at codon 254 of the RAD50 protein (p.Arg254Cys). This variant is present in population databases (rs555367432, gnomAD 0.02%). This variant has not been reported in the literature in individuals affected with RAD50-related conditions. ClinVar contains an entry for this variant (Variation ID: 187507). Advanced modeling of protein sequence and biophysical properties (such as structural, functional, and spatial information, amino acid conservation, physicochemical variation, residue mobility, and thermodynamic stability) performed at Invitae indicates that this missense variant is expected to disrupt RAD50 protein function with a positive predictive value of 80%. In summary, the available evidence is currently insufficient to determine the role of this variant in disease. Therefore, it has been classified as a Variant of Uncertain Significance.

Baylor Genetics
Classification: Uncertain significance for Nijmegen breakage syndrome-like disorder. Last evaluated: 2024-02-10. Review status: criteria provided, single submitter. Criteria: ACMG Guidelines, 2015. Collection method: clinical testing. Allele origin: unknown.

Ambry Genetics
Classification: Uncertain significance for Hereditary cancer-predisposing syndrome. Last evaluated: 2022-12-13. Review status: criteria provided, single submitter. Criteria: Ambry Variant Classification Scheme 2023. Collection method: clinical testing. Allele origin: germline.
Comment: The p.R254C variant (also known as c.760C>T), located in coding exon 6 of the RAD50 gene, results from a C to T substitution at nucleotide position 760. The arginine at codon 254 is replaced by cysteine, an amino acid with highly dissimilar properties. This amino acid position is not well conserved in available vertebrate species. In addition, this alteration is predicted to be tolerated by in silico analysis. Since supporting evidence is limited at this time, the clinical significance of this alteration remains unclear.

Laboratory of Molecular Epidemiology of Birth Defects, West China Second University Hospital, Sichuan University
Classification: Benign for Ovarian cancer. Last evaluated: 2022-01-01. Review status: criteria provided, single submitter. Criteria: ACMG Guidelines, 2015. Collection method: clinical testing. Allele origin: germline. Affected: yes.

Literature cited by the submitters: PubMed 33471991 (cited by Quest Diagnostics Nichols Institute San Juan Capistrano).